The following is an entry in ClinVar:

NM_000379.4(XDH):c.698G>T (p.Arg233Leu)

Gene: XDH (xanthine dehydrogenase; minus strand). Cytogenetic location: 2p23.1.
Variant type: single nucleotide variant.
Coding change: c.698G>T on transcript NM_000379.4 (MANE Select); coding-DNA position 698, G replaced by T.
Protein change: p.Arg233Leu; replaces arginine 233 with leucine.
Molecular consequence: missense variant.
Genome position (GRCh38, 1-based): chr2:31,386,509, C>A on the plus strand (G>T on the coding strand, the complement: XDH is on the minus strand). VCF-style: chr2-31386509-C-A. GRCh37 (hg19) VCF-style: chr2-31609375-C-A.
Other names: short protein forms R233L.
Identifiers: ClinVar variation 1046465 (VCV001046465.10), dbSNP rs201194179, ClinGen allele CA1599514.

ClinVar aggregate classification (germline): Uncertain significance. Review status: criteria provided, multiple submitters, no conflicts (2 of 4 stars). 2 submissions from 2 submitters: Uncertain significance (2). Last evaluated 2021-12-26.

Conditions:
Xanthinuria type II. Also called: Xanthine dehydrogenase and aldehyde oxidase combined deficiency of; XDH and AOX dual deficiency. Identifiers: Orphanet 3467, Orphanet 93602, MedGen C1863688, MONDO:0011346, OMIM 603592.
Hereditary xanthinuria type 1 (XAN1). Identifiers: Orphanet 3467, Orphanet 93601, MedGen C0268118, MONDO:0010209, OMIM 278300.

Allele frequency attached by ClinVar (database versions not stated): TOPMed 0.00002; gnomAD 0.00003; 1000 Genomes Project 30x 0.00016; 1000 Genomes Project 0.00020.
gnomAD v4.1: 33 of 1,614,126 alleles (0.002%); highest among the groups gnomAD compares: Non-Finnish European, 0.0027%; no homozygotes.

Submissions (2):

Fulgent Genetics
Classification: Uncertain significance for Hereditary xanthinuria type 1. Last evaluated: 2021-12-26. Review status: criteria provided, single submitter. Criteria: ACMG Guidelines, 2015. Collection method: clinical testing. Allele origin: unknown.

Labcorp Genetics (formerly Invitae), Labcorp
Classification: Uncertain significance for Xanthinuria type II. Last evaluated: 2020-06-24. Review status: criteria provided, single submitter. Criteria: Invitae Variant Classification Sherloc (09022015). Collection method: clinical testing. Allele origin: germline.
Comment: In summary, the available evidence is currently insufficient to determine the role of this variant in disease. Therefore, it has been classified as a Variant of Uncertain Significance. Algorithms developed to predict the effect of missense changes on protein structure and function are either unavailable or do not agree on the potential impact of this missense change (SIFT: "Deleterious"; PolyPhen-2: "Probably Damaging"; Align-GVGD: "Class C15"). This variant has not been reported in the literature in individuals with XDH-related conditions. This variant is present in population databases (rs201194179, ExAC 0.001%). This sequence change replaces arginine with leucine at codon 233 of the XDH protein (p.Arg233Leu). The arginine residue is highly conserved and there is a moderate physicochemical difference between arginine and leucine.